The following is an entry in ClinVar:

NM_001103.4(ACTN2):c.2644G>A (p.Ala882Thr)

Gene: ACTN2 (actinin alpha 2; plus strand). Cytogenetic location: 1q43.
Variant type: single nucleotide variant.
Coding change: c.2644G>A on transcript NM_001103.4 (MANE Select); coding-DNA position 2644, G replaced by A.
Protein change: p.Ala882Thr; replaces alanine 882 with threonine.
Molecular consequence: missense variant.
Genome position (GRCh38, 1-based): chr1:236,762,578, G>A. VCF-style: chr1-236762578-G-A. GRCh37 (hg19) VCF-style: chr1-236925878-G-A.
Other names: p.A882T:GCT>ACT; c.2644G>A, p.Ala882Thr (NM_001278343.2); c.2020G>A, p.Ala674Thr (NM_001278344.2); short protein forms A882T, A674T.
Identifiers: ClinVar variation 201624 (VCV000201624.21), dbSNP rs747843638, ClinGen allele CA335000.

ClinVar aggregate classification (germline): Conflicting classifications of pathogenicity. Review status: criteria provided, conflicting classifications (1 of 4 stars). 3 submissions from 3 submitters: Uncertain significance (1); Benign (1); Likely benign (1). Last evaluated 2025-01-15.

Conditions:
Dilated cardiomyopathy 1AA (CMD1AA). Also called: Cardiomyopathy, dilated, 1AA, with or without LVNC; CARDIOMYOPATHY, DILATED, 1AA, WITH OR WITHOUT LEFT VENTRICULAR NONCOMPACTION; CARDIOMYOPATHY, FAMILIAL HYPERTROPHIC, 23, WITH OR WITHOUT LEFT VENTRICULAR NONCOMPACTION. Identifiers: Orphanet 154, MedGen C2677338, MONDO:0012808, OMIM 612158.
Primary familial hypertrophic cardiomyopathy (HCM). Identifiers: Orphanet 99739, MedGen C0949658, MeSH D024741, MONDO:0024573. Inheritance: Various modes of inheritance.
Cardiomyopathy (CMYO). Also called: Cardiomyopathies. Identifiers: Orphanet 167848, MedGen C0878544, MONDO:0004994, HP:0001638. Inheritance: Various modes of inheritance.

Allele frequency attached by ClinVar (database versions not stated): TOPMed below 0.00001; gnomAD 0.00001; ExAC 0.00002; gnomAD exomes 0.00002.
gnomAD v4.1: 42 of 1,614,038 alleles (0.0026%); highest among the groups gnomAD compares: East Asian, 0.0067%; no homozygotes.

Submissions (3):

Labcorp Genetics (formerly Invitae), Labcorp
Classification: Benign for Primary familial hypertrophic cardiomyopathy; Dilated cardiomyopathy 1AA. Last evaluated: 2025-01-15. Review status: criteria provided, single submitter. Criteria: Invitae Variant Classification Sherloc (09022015). Collection method: clinical testing. Allele origin: germline.

CHEO Genetics Diagnostic Laboratory, Children's Hospital of Eastern Ontario
Classification: Uncertain significance for Cardiomyopathy. Last evaluated: 2022-03-24. Review status: criteria provided, single submitter. Criteria: ACMG Guidelines, 2015. Collection method: clinical testing. Allele origin: germline.

GeneDx
Classification: Likely benign. Last evaluated: 2013-05-28. Review status: criteria provided, single submitter. Criteria: GeneDx Variant Classification (06012015). Collection method: clinical testing. Allele origin: germline. Affected: yes.
Comment: This variant is considered likely benign or benign based on one or more of the following criteria: it is a conservative change, it occurs at a poorly conserved position in the protein, it is predicted to be benign by multiple in silico algorithms, and/or has population frequency not consistent with disease.